The following is an entry in ClinVar:

NM_001378454.1(ALMS1):c.5539C>T (p.Pro1847Ser)

Gene: ALMS1 (ALMS1 centrosome and basal body associated protein; plus strand). Cytogenetic location: 2p13.1.
Variant type: single nucleotide variant.
Coding change: c.5539C>T on transcript NM_001378454.1 (MANE Select); coding-DNA position 5539, C replaced by T.
Protein change: p.Pro1847Ser; replaces proline 1847 with serine.
Molecular consequence: missense variant.
Genome position (GRCh38, 1-based): chr2:73,452,066, C>T. VCF-style: chr2-73452066-C-T. GRCh37 (hg19) VCF-style: chr2-73679193-C-T.
Other names: c.5542C>T, p.Pro1848Ser (NM_015120.4); short protein forms P1847S, P1848S.
Identifiers: ClinVar variation 1430251 (VCV001430251.6), dbSNP rs752756030, ClinGen allele CA347282476.
Genomic context (GRCh38, chr2:73,452,066, plus strand): 5'-GGTTTGAAAATTTTAAGAGTTCCTGGACCAGCTGACCAGAAGACTGGAATAAACATCCTG[C>T]CCTCTAATTCCTACCCACAGAGAGAGCACTCTGTCATTTCTTATGAGCAGGAGTTGCCAG-3'
Protein context (NP_001365383.1, residues 1837-1857): ADQKTGINIL[Pro1847Ser]SNSYPQREHS

ClinVar aggregate classification (germline): Uncertain significance (1 of 4 stars; one submission).

Conditions:
Alstrom syndrome (ALMS). Identifiers: Orphanet 64, MedGen C0268425, MONDO:0008763, OMIM 203800.

Allele frequency attached by ClinVar (database versions not stated): TOPMed below 0.00001.

Submission:

Labcorp Genetics (formerly Invitae), Labcorp
Classification: Uncertain significance for Alstrom syndrome. Last evaluated: 2025-01-13. Review status: criteria provided, single submitter. Criteria: Invitae Variant Classification Sherloc (09022015). Collection method: clinical testing. Allele origin: germline.
Comment: This sequence change replaces proline with serine at codon 1848 of the ALMS1 protein (p.Pro1848Ser). The proline residue is weakly conserved and there is a moderate physicochemical difference between proline and serine. This variant is not present in population databases (gnomAD no frequency). This variant has not been reported in the literature in individuals affected with ALMS1-related conditions. ClinVar contains an entry for this variant (Variation ID: 1430251). Experimental studies and prediction algorithms are not available or were not evaluated, and the functional significance of this variant is currently unknown. In summary, the available evidence is currently insufficient to determine the role of this variant in disease. Therefore, it has been classified as a Variant of Uncertain Significance.